The following is an entry in ClinVar:

NM_006080.3(SEMA3A):c.2148C>T (p.Asn716=)

Gene: SEMA3A (semaphorin 3A; minus strand). Cytogenetic location: 7q21.11.
Variant type: single nucleotide variant.
Coding change: c.2148C>T on transcript NM_006080.3 (MANE Select); coding-DNA position 2148, C replaced by T.
Protein change: p.Asn716=; no amino-acid change (asparagine 716 retained).
Molecular consequence: synonymous variant.
Genome position (GRCh38, 1-based): chr7:83,961,539, G>A on the plus strand (C>T on the coding strand, the complement: SEMA3A is on the minus strand). VCF-style: chr7-83961539-G-A. GRCh37 (hg19) VCF-style: chr7-83590855-G-A.
Identifiers: ClinVar variation 3356965 (VCV003356965.1).
Genomic context (GRCh38, chr7:83,961,539, plus strand): 5'-CCTTTGCCGACGTTGTTTTCGGTCCCTTTTCCAAACTTGTTCACAGAACTCATCCATTGT[G>A]TTGAGATTGGGGTGGTTGATGAGCTGCATGAAGTCTCTGTACCAGACCTTCTGGCTAGGT-3'
Protein context (NP_006071.1, residues 706-726): FMQLINHPNL[Asn716=]TMDEFCEQVW

ClinVar aggregate classification (germline): Likely benign (0 of 4 stars; one submission).

Conditions:
SEMA3A-related disorder. Also called: SEMA3A-related condition.

Submission:

PreventionGenetics, part of Exact Sciences
Classification: Likely benign for SEMA3A-related condition. Last evaluated: 2023-04-05. Review status: no assertion criteria provided. Collection method: clinical testing. Allele origin: germline.
Comment: This variant is classified as likely benign based on ACMG/AMP sequence variant interpretation guidelines (Richards et al. 2015 PMID: 25741868, with internal and published modifications).